The following is an entry in ClinVar:

ClinVar aggregate classification (germline): Uncertain significance (1 of 4 stars; one submission).

Conditions:
Early-infantile DEE. Also called: Early infantile epileptic encephalopathy with suppression bursts; Ohtahara syndrome; Early infantile epileptic encephalopathy. Identifiers: Orphanet 1934, MedGen C0393706, MONDO:0800491.

Allele frequency attached by ClinVar (database versions not stated): gnomAD exomes below 0.00001.
gnomAD v4.1: 1 of 1,611,778 alleles (0.000062%); highest among the groups gnomAD compares: Non-Finnish European, 0.000085%; no homozygotes.

Submission:

Labcorp Genetics (formerly Invitae), Labcorp
Classification: Uncertain significance for Early-infantile DEE. Last evaluated: 2025-12-16. Review status: criteria provided, single submitter. Criteria: Invitae Variant Classification Sherloc (09022015). Collection method: clinical testing. Allele origin: germline.
Comment: This sequence change replaces lysine, which is basic and polar, with glutamine, which is neutral and polar, at codon 1190 of the SCN1A protein (p.Lys1190Gln). This variant is not present in population databases (gnomAD no frequency). This variant has not been reported in the literature in individuals affected with SCN1A-related conditions. ClinVar contains an entry for this variant (Variation ID: 1350589). Invitae Evidence Modeling of protein sequence and biophysical properties (such as structural, functional, and spatial information, amino acid conservation, physicochemical variation, residue mobility, and thermodynamic stability) indicates that this missense variant is not expected to disrupt SCN1A protein function with a negative predictive value of 95%. In summary, the available evidence is currently insufficient to determine the role of this variant in disease. Therefore, it has been classified as a Variant of Uncertain Significance.

NM_001165963.4(SCN1A):c.3568A>C (p.Lys1190Gln)

Genes: SCN1A (sodium voltage-gated channel alpha subunit 1; minus strand), LOC102724058 (uncharacterized LOC102724058; plus strand). Cytogenetic location: 2q24.3.
Variant type: single nucleotide variant.
Coding change: c.3568A>C on transcript NM_001165963.4 (MANE Select); coding-DNA position 3568, A replaced by C.
Protein change: p.Lys1190Gln; replaces lysine 1190 with glutamine.
Molecular consequence: missense variant. On other transcripts: non-coding transcript variant (1).
Genome position (GRCh38, 1-based): chr2:166,013,881, T>G on the plus strand (A>C on the coding strand, the complement: SCN1A is on the minus strand). VCF-style: chr2-166013881-T-G. GRCh37 (hg19) VCF-style: chr2-166870391-T-G.
Other names: c.3484A>C, p.Lys1162Gln (NM_001165964.3, NM_001353957.2, NM_001353958.2); c.3568A>C, p.Lys1190Gln (NM_001202435.3, NM_001353948.2); c.3535A>C, p.Lys1179Gln (NM_001353949.2, NM_001353950.2, NM_001353951.2 and 2 more transcripts); c.3532A>C, p.Lys1178Gln (NM_001353954.2, NM_001353955.2); c.3481A>C, p.Lys1161Gln (NM_001353960.2); c.1126A>C, p.Lys376Gln (NM_001353961.2); short protein forms K1190Q, K1162Q, K376Q, K1161Q, K1179Q, K1178Q.
Identifiers: ClinVar variation 1350589 (VCV001350589.7), dbSNP rs1553532748, ClinGen allele CA349056355.
Genomic context (GRCh38, chr2:166,013,881, plus strand): 5'-TCCTTCTCAGGTTCCACCATTGTTTTCCTCTGCCTTCTTCCACATTGATTTGACAACACT[T>G]GAATCTTTGTACACAGCCTGCAGAAAGTGTTGAAATAAAAGTAGATAAAGTGTCTCTGCT-3'
Protein context (NP_001159435.1, residues 1180-1200): CFTEGCVQRF[Lys1190Gln]CCQINVEEGR